The following is an entry in ClinVar:

ClinVar aggregate classification (germline): Uncertain significance. Review status: criteria provided, multiple submitters, no conflicts (2 of 4 stars). 2 submissions from 2 submitters: Uncertain significance (2). Last evaluated 2022-09-01.

Conditions:
Charcot-Marie-Tooth disease. Also called: Charcot-Marie-Tooth Neuropathy; Charcot-Marie-Tooth Hereditary Neuropathy. Identifiers: Orphanet 166, MedGen C0007959, MONDO:0015626.
Charcot-Marie-Tooth disease type 4. Also called: Charcot-Marie-Tooth, Type 4; Charcot-Marie-Tooth disease, type IV. Identifiers: Orphanet 64749, MedGen C4082197, MONDO:0018995.

Allele frequency attached by ClinVar (database versions not stated): ExAC 0.00001; gnomAD exomes 0.00001 and 0.00004; TOPMed 0.00001; gnomAD 0.00002.

Submissions (2):

Labcorp Genetics (formerly Invitae), Labcorp
Classification: Uncertain significance for Charcot-Marie-Tooth disease type 4. Last evaluated: 2022-09-01. Review status: criteria provided, single submitter. Criteria: Invitae Variant Classification Sherloc (09022015). Collection method: clinical testing. Allele origin: germline.
Comment: This sequence change replaces methionine, which is neutral and non-polar, with valine, which is neutral and non-polar, at codon 1804 of the SBF2 protein (p.Met1804Val). This variant is present in population databases (rs755264093, gnomAD 0.003%). This missense change has been observed in individual(s) with clinical features of Charcot-Marie-Tooth disease (PMID: 32376792). ClinVar contains an entry for this variant (Variation ID: 476938). Algorithms developed to predict the effect of missense changes on protein structure and function (SIFT, PolyPhen-2, Align-GVGD) all suggest that this variant is likely to be tolerated. In summary, the available evidence is currently insufficient to determine the role of this variant in disease. Therefore, it has been classified as a Variant of Uncertain Significance.

Molecular Genetics Laboratory, London Health Sciences Centre
Classification: Uncertain significance for Charcot-Marie-Tooth disease. Review status: criteria provided, single submitter. Criteria: ACMG Guidelines, 2015. Collection method: clinical testing. Allele origin: germline. Affected: yes.

Literature cited by the submitters: PubMed 32376792 (cited by Labcorp Genetics (formerly Invitae), Labcorp).

NM_030962.4(SBF2):c.5410A>G (p.Met1804Val)

Genes: SBF2-AS1 (SBF2 antisense RNA 1; plus strand), SBF2 (SET binding factor 2; minus strand), LOC105369149 (uncharacterized LOC105369149; plus strand). Cytogenetic location: 11p15.4.
Variant type: single nucleotide variant.
Coding change: c.5410A>G on transcript NM_030962.4 (MANE Select); coding-DNA position 5410, A replaced by G.
Protein change: p.Met1804Val; replaces methionine 1804 with valine.
Molecular consequence: missense variant.
Genome position (GRCh38, 1-based): chr11:9,781,548, T>C on the plus strand (A>G on the coding strand, the complement: SBF2 is on the minus strand). VCF-style: chr11-9781548-T-C. GRCh37 (hg19) VCF-style: chr11-9803095-T-C.
Other names: c.5506A>G, p.Met1836Val (NM_001386339.1); c.5281A>G, p.Met1761Val (NM_001386342.1); short protein forms M1804V, M1761V, M1836V.
Identifiers: ClinVar variation 476938 (VCV000476938.9), dbSNP rs755264093, ClinGen allele CA5880712.